The following is an entry in ClinVar:

NM_024306.4(FA2H):c.-84G>C

Genes: FA2H (fatty acid 2-hydroxylase; minus strand), LOC130059394 (ATAC-STARR-seq lymphoblastoid silent region 7701; plus strand). Cytogenetic location: 16q23.1.
Variant type: single nucleotide variant.
Coding change: c.-84G>C on transcript NM_024306.4; 84 bases upstream of the start codon, G replaced by C.
Genome position (GRCh38, 1-based): chr16:74,774,839, C>G on the plus strand (G>C on the coding strand, the complement: FA2H is on the minus strand). VCF-style: chr16-74774839-C-G. GRCh37 (hg19) VCF-style: chr16-74808737-C-G.
Identifiers: ClinVar variation 369127 (VCV000369127.10), dbSNP rs8056865, ClinGen allele CA10654546.

ClinVar aggregate classification (germline): Benign. Review status: criteria provided, multiple submitters, no conflicts (2 of 4 stars). 3 submissions from 3 submitters: Benign (3). Last evaluated 2024-07-31.

Allele frequency attached by ClinVar (database versions not stated): gnomAD 0.74950 and 0.75683; gnomAD exomes 0.75129; TOPMed 0.73525; 1000 Genomes Project 0.68510; 1000 Genomes Project 30x 0.68582.

Submissions (3):

Unidad de Genómica Garrahan, Hospital de Pediatría Garrahan
Classification: Benign. Last evaluated: 2024-07-31. Review status: criteria provided, single submitter. Criteria: ACMG Guidelines, 2015. Collection method: clinical testing. Allele origin: germline. Affected: no. Observed: 63 variant alleles.
Comment: This variant is classified as Benign based on local population frequency. This variant was detected in 68% of patients studied in a panel designed for Epileptic and Developmental Encephalopathy, Progressive Myoclonus Epilepsy and Abnormal Movements and Neurodegeneration with brain iron accumulation. Number of patients: 63. Only high quality variants are reported.

GeneDx
Classification: Benign. Last evaluated: 2018-06-14. Review status: criteria provided, single submitter. Criteria: GeneDx Variant Classification (06012015). Collection method: clinical testing. Allele origin: germline. Affected: yes.
Comment: This variant is considered likely benign or benign based on one or more of the following criteria: it is a conservative change, it occurs at a poorly conserved position in the protein, it is predicted to be benign by multiple in silico algorithms, and/or has population frequency not consistent with disease.

Breakthrough Genomics
Classification: Benign. Review status: criteria provided, single submitter. Criteria: ACMG Guidelines, 2015. Collection method: not provided. Allele origin: germline. Inheritance: Autosomal recessive inheritance. Affected: yes.